The following is an entry in ClinVar:

ClinVar aggregate classification (germline): Likely pathogenic (1 of 4 stars; one submission).

Conditions:
Dilated cardiomyopathy 1G (CMD1G). Identifiers: Orphanet 154, MedGen C1858763, MONDO:0011400, OMIM 604145.
Autosomal recessive limb-girdle muscular dystrophy type 2J (LGMDR10). Also called: MUSCULAR DYSTROPHY, LIMB-GIRDLE, AUTOSOMAL RECESSIVE 10; Limb-girdle muscular dystrophy, type 2J. Identifiers: Orphanet 140922, MedGen C1837342, MONDO:0012127, OMIM 608807.

Submission:

Labcorp Genetics (formerly Invitae), Labcorp
Classification: Likely pathogenic for Dilated cardiomyopathy 1G; Autosomal recessive limb-girdle muscular dystrophy type 2J. Last evaluated: 2023-09-05. Review status: criteria provided, single submitter. Criteria: Invitae Variant Classification Sherloc (09022015). Collection method: clinical testing. Allele origin: germline.
Comment: This variant has not been reported in the literature in individuals affected with TTN-related conditions. In summary, the currently available evidence indicates that the variant is pathogenic, but additional data are needed to prove that conclusively. Therefore, this variant has been classified as Likely Pathogenic. This variant is located in the A band of TTN (PMID: 25589632). Truncating variants in this region are significantly overrepresented in patients affected with dilated cardiomyopathy (PMID: 25589632). Truncating variants in this region have also been reported in individuals affected with autosomal recessive centronuclear myopathy (PMID: 23975875). Algorithms developed to predict the effect of sequence changes on RNA splicing suggest that this variant may disrupt the consensus splice site. This variant is not present in population databases (gnomAD no frequency). This sequence change affects an acceptor splice site in intron 253 of the TTN gene. It is expected to disrupt RNA splicing and likely results in a truncated or disrupted TTN protein.

Literature cited by the submitters: PubMed 25589632; PubMed 23975875.

NM_001267550.2(TTN):c.47573-1G>A

Genes: TTN-AS1 (TTN antisense RNA 1; plus strand), TTN (titin; minus strand). Cytogenetic location: 2q31.2.
Variant type: single nucleotide variant.
Coding change: c.47573-1G>A on transcript NM_001267550.2 (MANE Select); the canonical splice acceptor site of the intron before coding-DNA position 47573, G replaced by A.
Molecular consequence: splice acceptor variant.
Genome position (GRCh38, 1-based): chr2:178,617,513, C>T on the plus strand (G>A on the coding strand, the complement: TTN is on the minus strand). VCF-style: chr2-178617513-C-T. GRCh37 (hg19) VCF-style: chr2-179482240-C-T.
Other names: c.20378-1G>A (NM_003319.4); c.20954-1G>A (NM_133437.4); c.20753-1G>A (NM_133432.3); c.39869-1G>A (NM_133378.4); c.42650-1G>A (NM_001256850.1).
Identifiers: ClinVar variation 2942122 (VCV002942122.3), dbSNP rs2470853390, ClinGen allele CA349614401.
Genomic context (GRCh38, chr2:178,617,513, plus strand): 5'-GCTGAACTGATGACTGAGTCTGATCTGAGGAAGTTAGGTTTACAGGAGGACTTGGTCTCT[C>T]TGGAATAAAAGAAGGAGTTGGAGCATACCATTTACGTTAGTGACAATTTATGAAAACAGT-3'